The following is an entry in ClinVar:

ClinVar aggregate classification (germline): Uncertain significance (1 of 4 stars; one submission).

Conditions:
Congenital muscular hypertrophy-cerebral syndrome (CDLS2). Also called: Cornelia de Lange syndrome 2; SMC1A-Related Cornelia de Lange Syndrome. Identifiers: Orphanet 199, MedGen C1802395, MONDO:0010370, OMIM 300590.

Submission:

Labcorp Genetics (formerly Invitae), Labcorp
Classification: Uncertain significance for Congenital muscular hypertrophy-cerebral syndrome. Last evaluated: 2024-05-20. Review status: criteria provided, single submitter. Criteria: Invitae Variant Classification Sherloc (09022015). Collection method: clinical testing. Allele origin: germline.
Comment: This sequence change replaces alanine, which is neutral and non-polar, with threonine, which is neutral and polar, at codon 932 of the SMC1A protein (p.Ala932Thr). This variant is not present in population databases (gnomAD no frequency). This variant has not been reported in the literature in individuals affected with SMC1A-related conditions. Advanced modeling of protein sequence and biophysical properties (such as structural, functional, and spatial information, amino acid conservation, physicochemical variation, residue mobility, and thermodynamic stability) performed at Invitae indicates that this missense variant is not expected to disrupt SMC1A protein function with a negative predictive value of 80%. In summary, the available evidence is currently insufficient to determine the role of this variant in disease. Therefore, it has been classified as a Variant of Uncertain Significance.

NM_006306.4(SMC1A):c.2794G>A (p.Ala932Thr)

Gene: SMC1A (structural maintenance of chromosomes 1A; minus strand). Cytogenetic location: Xp11.22.
Variant type: single nucleotide variant.
Coding change: c.2794G>A on transcript NM_006306.4 (MANE Select); coding-DNA position 2794, G replaced by A.
Protein change: p.Ala932Thr; replaces alanine 932 with threonine.
Molecular consequence: missense variant.
Genome position (GRCh38, 1-based): chrX:53,396,295, C>T on the plus strand (G>A on the coding strand, the complement: SMC1A is on the minus strand). VCF-style: chrX-53396295-C-T. GRCh37 (hg19) VCF-style: chrX-53423215-C-T.
Other names: c.2728G>A, p.Ala910Thr (NM_001281463.1); short protein forms A932T, A910T.
Identifiers: ClinVar variation 2750417 (VCV002750417.3), dbSNP rs369625058, ClinGen allele CA413248036.